The following is an entry in ClinVar:

NM_004655.4(AXIN2):c.1768C>G (p.Leu590Val)

Gene: AXIN2 (axin 2; minus strand). Cytogenetic location: 17q24.1.
Variant type: single nucleotide variant.
Coding change: c.1768C>G on transcript NM_004655.4 (MANE Select); coding-DNA position 1768, C replaced by G.
Protein change: p.Leu590Val; replaces leucine 590 with valine.
Molecular consequence: missense variant. On other transcripts: intron variant (1).
Genome position (GRCh38, 1-based): chr17:65,537,008, G>C on the plus strand (C>G on the coding strand, the complement: AXIN2 is on the minus strand). VCF-style: chr17-65537008-G-C. GRCh37 (hg19) VCF-style: chr17-63533126-G-C.
Other names: c.1712+316C>G (NM_001363813.1); short protein forms L590V.
Identifiers: ClinVar variation 1721255 (VCV001721255.5), dbSNP rs1344737332, ClinGen allele CA400676656.

ClinVar aggregate classification (germline): Uncertain significance (1 of 4 stars; one submission).

Conditions:
Oligodontia-cancer predisposition syndrome. Also called: TOOTH AGENESIS-COLORECTAL CANCER SYNDROME. Identifiers: Orphanet 300576, MedGen C1837750, MONDO:0012075, OMIM 608615. Disease mechanism: loss of function.

Allele frequency attached by ClinVar (database versions not stated): gnomAD exomes below 0.00001.
gnomAD v4.1: 1 of 1,611,756 alleles (0.000062%); highest among the groups gnomAD compares: Non-Finnish European, 0.000085%; no homozygotes.

Submission:

Labcorp Genetics (formerly Invitae), Labcorp
Classification: Uncertain significance for Oligodontia-cancer predisposition syndrome. Last evaluated: 2025-02-12. Review status: criteria provided, single submitter. Criteria: Invitae Variant Classification Sherloc (09022015). Collection method: clinical testing. Allele origin: germline.
Comment: This sequence change replaces leucine, which is neutral and non-polar, with valine, which is neutral and non-polar, at codon 590 of the AXIN2 protein (p.Leu590Val). This variant is not present in population databases (gnomAD no frequency). This variant has not been reported in the literature in individuals affected with AXIN2-related conditions. ClinVar contains an entry for this variant (Variation ID: 1721255). Invitae Evidence Modeling of protein sequence and biophysical properties (such as structural, functional, and spatial information, amino acid conservation, physicochemical variation, residue mobility, and thermodynamic stability) indicates that this missense variant is not expected to disrupt AXIN2 protein function with a negative predictive value of 80%. In summary, the available evidence is currently insufficient to determine the role of this variant in disease. Therefore, it has been classified as a Variant of Uncertain Significance.